The following is an entry in ClinVar:

NM_005188.4(CBL):c.1496G>A (p.Arg499Gln)

Gene: CBL (Cbl proto-oncogene; plus strand). Cytogenetic location: 11q23.3.
Variant type: single nucleotide variant.
Coding change: c.1496G>A on transcript NM_005188.4 (MANE Select); coding-DNA position 1496, G replaced by A.
Protein change: p.Arg499Gln; replaces arginine 499 with glutamine.
Molecular consequence: missense variant.
Genome position (GRCh38, 1-based): chr11:119,285,033, G>A. VCF-style: chr11-119285033-G-A. GRCh37 (hg19) VCF-style: chr11-119155743-G-A.
Other names: c.1496G>A (NM_005188.2); short protein forms R499Q.
Identifiers: ClinVar variation 1009369 (VCV001009369.11), dbSNP rs1949969900, ClinGen allele CA382918088.

ClinVar aggregate classification (germline): Uncertain significance. Review status: criteria provided, multiple submitters, no conflicts (2 of 4 stars). 3 submissions from 3 submitters: Uncertain significance (3). Last evaluated 2024-11-28.

Conditions:
RASopathy. Also called: Noonan spectrum disorder; rasopathies. Identifiers: Orphanet 536391, MedGen C5555857, MONDO:0021060.
CBL-related disorder. Also called: NOONAN SYNDROME-LIKE DISORDER WITHOUT JUVENILE MYELOMONOCYTIC LEUKEMIA; CBL MUTATION-ASSOCIATED SYNDROME; CBL SYNDROME. Identifiers: Orphanet 363972, MedGen C3150803, MONDO:0013308, OMIM 613563.
Cardiovascular phenotype. Identifiers: MedGen CN230736.

gnomAD v4.1: 4 of 1,614,098 alleles (0.00025%); highest among the groups gnomAD compares: Non-Finnish European, 0.00034%; no homozygotes.

Submissions (3):

Ambry Genetics
Classification: Uncertain significance for Cardiovascular phenotype. Last evaluated: 2024-11-28. Review status: criteria provided, single submitter. Criteria: Ambry Variant Classification Scheme 2023. Collection method: clinical testing. Allele origin: germline.
Comment: The p.R499Q variant (also known as c.1496G>A), located in coding exon 10 of the CBL gene, results from a G to A substitution at nucleotide position 1496. The arginine at codon 499 is replaced by glutamine, an amino acid with highly similar properties. This amino acid position is conserved. In addition, the in silico prediction for this alteration is inconclusive. Based on the available evidence, the clinical significance of this variant remains unclear.

Labcorp Genetics (formerly Invitae), Labcorp
Classification: Uncertain significance for RASopathy. Last evaluated: 2020-08-14. Review status: criteria provided, single submitter. Criteria: Invitae Variant Classification Sherloc (09022015). Collection method: clinical testing. Allele origin: germline.
Comment: In summary, the available evidence is currently insufficient to determine the role of this variant in disease. Therefore, it has been classified as a Variant of Uncertain Significance. Advanced modeling of protein sequence and biophysical properties (such as structural, functional, and spatial information, amino acid conservation, physicochemical variation, residue mobility, and thermodynamic stability) performed at Invitae indicates that this missense variant is not expected to disrupt CBL protein function. This variant has not been reported in the literature in individuals with CBL-related conditions. This variant is not present in population databases (ExAC no frequency). This sequence change replaces arginine with glutamine at codon 499 of the CBL protein (p.Arg499Gln). The arginine residue is highly conserved and there is a small physicochemical difference between arginine and glutamine.

Institute for Medical Genetics and Human Genetics, Charité - Universitätsmedizin Berlin
Classification: Uncertain significance for CBL-related disorder. Review status: criteria provided, single submitter. Criteria: ACMG Guidelines, 2015. Collection method: not provided. Allele origin: germline. Inheritance: Autosomal dominant inheritance. Affected: yes.